The following is an entry in ClinVar:

ClinVar aggregate classification (germline): Uncertain significance (1 of 4 stars; one submission).

Conditions:
Early-infantile DEE. Also called: Early infantile epileptic encephalopathy; Ohtahara syndrome; Early infantile epileptic encephalopathy with suppression bursts. Identifiers: Orphanet 1934, MedGen C0393706, MONDO:0800491.

Submission:

Labcorp Genetics (formerly Invitae), Labcorp
Classification: Uncertain significance for Early-infantile DEE. Last evaluated: 2026-01-14. Review status: criteria provided, single submitter. Criteria: Invitae Variant Classification Sherloc (09022015). Collection method: clinical testing. Allele origin: germline.
Comment: This sequence change replaces arginine, which is basic and polar, with tryptophan, which is neutral and slightly polar, at codon 87 of the KCNQ2 protein (p.Arg87Trp). This variant is not present in population databases (gnomAD no frequency). This missense change has been observed in individual(s) with clinical features of KCNQ2-related conditions (internal data). ClinVar contains an entry for this variant (Variation ID: 3637742). Invitae Evidence Modeling of protein sequence and biophysical properties (such as structural, functional, and spatial information, amino acid conservation, physicochemical variation, residue mobility, and thermodynamic stability) indicates that this missense variant is expected to disrupt KCNQ2 protein function with a positive predictive value of 95%. In summary, the available evidence is currently insufficient to determine the role of this variant in disease. Therefore, it has been classified as a Variant of Uncertain Significance.

NM_172107.4(KCNQ2):c.259C>T (p.Arg87Trp)

Gene: KCNQ2 (potassium voltage-gated channel subfamily Q member 2; minus strand). Cytogenetic location: 20q13.33.
Variant type: single nucleotide variant.
Coding change: c.259C>T on transcript NM_172107.4 (MANE Select); coding-DNA position 259, C replaced by T.
Protein change: p.Arg87Trp; replaces arginine 87 with tryptophan.
Molecular consequence: missense variant.
Genome position (GRCh38, 1-based): chr20:63,472,205, G>A on the plus strand (C>T on the coding strand, the complement: KCNQ2 is on the minus strand). VCF-style: chr20-63472205-G-A. GRCh37 (hg19) VCF-style: chr20-62103558-G-A.
Other names: c.259C>T, p.Arg87Trp (NM_001382235.1, NM_004518.6, NM_172106.3 and 2 more transcripts); short protein forms R87W.
Identifiers: ClinVar variation 3637742 (VCV003637742.2).